The following is an entry in ClinVar:

ClinVar aggregate classification (germline): Uncertain significance (1 of 4 stars; one submission).

Allele frequency attached by ClinVar (database versions not stated): ExAC 0.00001; gnomAD 0.00001.
gnomAD v4.1: 1 of 1,613,778 alleles (0.000062%); highest among the groups gnomAD compares: Non-Finnish European, 0.000085%; no homozygotes.

Submission:

Labcorp Genetics (formerly Invitae), Labcorp
Classification: Uncertain significance. Last evaluated: 2022-06-26. Review status: criteria provided, single submitter. Criteria: Invitae Variant Classification Sherloc (09022015). Collection method: clinical testing. Allele origin: germline.
Comment: This sequence change replaces asparagine, which is neutral and polar, with serine, which is neutral and polar, at codon 273 of the RIN2 protein (p.Asn273Ser). This variant is present in population databases (rs777497828, gnomAD 0.0009%). This variant has not been reported in the literature in individuals affected with RIN2-related conditions. Algorithms developed to predict the effect of missense changes on protein structure and function are either unavailable or do not agree on the potential impact of this missense change (SIFT: "Deleterious"; PolyPhen-2: "Not Available"; Align-GVGD: "Class C0"). In summary, the available evidence is currently insufficient to determine the role of this variant in disease. Therefore, it has been classified as a Variant of Uncertain Significance.

NM_018993.4(RIN2):c.818A>G (p.Asn273Ser)

Gene: RIN2 (Ras and Rab interactor 2; plus strand). Cytogenetic location: 20p11.23.
Variant type: single nucleotide variant.
Coding change: c.818A>G on transcript NM_018993.4 (MANE Select); coding-DNA position 818, A replaced by G.
Protein change: p.Asn273Ser; replaces asparagine 273 with serine.
Molecular consequence: missense variant.
Genome position (GRCh38, 1-based): chr20:19,974,843, A>G. VCF-style: chr20-19974843-A-G. GRCh37 (hg19) VCF-style: chr20-19955487-A-G.
Other names: c.965A>G, p.Asn322Ser (NM_001242581.2); c.200A>G, p.Asn67Ser (NM_001378238.1); short protein forms N67S, N322S, N273S.
Identifiers: ClinVar variation 2000013 (VCV002000013.4), dbSNP rs777497828, ClinGen allele CA9779941.